The following is an entry in ClinVar:

NM_021098.3(CACNA1H):c.2725G>T (p.Val909Leu)

Gene: CACNA1H (calcium voltage-gated channel subunit alpha1 H; plus strand). Cytogenetic location: 16p13.3.
Variant type: single nucleotide variant.
Coding change: c.2725G>T on transcript NM_021098.3 (MANE Select); coding-DNA position 2725, G replaced by T.
Protein change: p.Val909Leu; replaces valine 909 with leucine.
Molecular consequence: missense variant.
Genome position (GRCh38, 1-based): chr16:1,206,225, G>T. VCF-style: chr16-1206225-G-T. GRCh37 (hg19) VCF-style: chr16-1256225-G-T.
Other names: c.2725G>T, p.Val909Leu (NM_001005407.2); short protein forms V909L.
Identifiers: ClinVar variation 2112490 (VCV002112490.4), dbSNP rs2548672638, ClinGen allele CA394169158.
Genomic context (GRCh38, chr16:1,206,225, plus strand): 5'-CTGCGTGTGCTGAAGCTGGTGCGCTTTCTGCCAGCCCTGCGGCGCCAGCTCGTGGTGCTG[G>T]TGAAGACCATGGACAACGTGGCTACCTTCTGCACGCTGCTCATGCTCTTCATTTTCATCT-3'
Protein context (NP_066921.2, residues 899-919): PALRRQLVVL[Val909Leu]KTMDNVATFC

ClinVar aggregate classification (germline): Uncertain significance (1 of 4 stars; one submission).

Conditions:
Hyperaldosteronism, familial, type IV (HALD4). Also called: FH IV; ALDOSTERONISM, PRIMARY, AND HYPERTENSION. Identifiers: Orphanet 642671, MedGen C4310756, MONDO:0014875, OMIM 617027.
Idiopathic generalized epilepsy. Also called: Generalised epilepsy; EIG. Identifiers: MedGen C0270850, MONDO:0005579, OMIM 600669.

Submission:

Labcorp Genetics (formerly Invitae), Labcorp
Classification: Uncertain significance for Idiopathic generalized epilepsy; Hyperaldosteronism, familial, type IV. Last evaluated: 2024-01-08. Review status: criteria provided, single submitter. Criteria: Invitae Variant Classification Sherloc (09022015). Collection method: clinical testing. Allele origin: germline.
Comment: This sequence change replaces valine, which is neutral and non-polar, with leucine, which is neutral and non-polar, at codon 909 of the CACNA1H protein (p.Val909Leu). This variant is not present in population databases (gnomAD no frequency). This variant has not been reported in the literature in individuals affected with CACNA1H-related conditions. ClinVar contains an entry for this variant (Variation ID: 2112490). Advanced modeling of protein sequence and biophysical properties (such as structural, functional, and spatial information, amino acid conservation, physicochemical variation, residue mobility, and thermodynamic stability) performed at Invitae indicates that this missense variant is not expected to disrupt CACNA1H protein function with a negative predictive value of 80%. In summary, the available evidence is currently insufficient to determine the role of this variant in disease. Therefore, it has been classified as a Variant of Uncertain Significance.